The following is an entry in ClinVar:

ClinVar aggregate classification (germline): Pathogenic/Likely pathogenic. Review status: criteria provided, multiple submitters, no conflicts (2 of 4 stars). 7 submissions from 7 submitters: Pathogenic (2); Likely pathogenic (5). Last evaluated 2026-02-24.

Conditions:
Maturity-onset diabetes of the young, type 12. Identifiers: MedGen C6012723, MONDO:0978299, OMIM 621196.
ABCC8-related disorder.
Maturity-onset diabetes of the young (MODY). Also called: Maturity onset diabetes mellitus in young. Identifiers: Orphanet 552, MedGen C0342276, MONDO:0018911, HP:0004904.
Type 2 diabetes mellitus. Also called: Type II diabetes mellitus. Identifiers: MedGen C0011860, MeSH D003924, MONDO:0005148, OMIM 125853, HP:0005978.
Diabetes mellitus, permanent neonatal 3. Also called: ABCC8-Related Permanent Neonatal Diabetes Mellitus. Identifiers: MedGen C5394303, MONDO:0030088, OMIM 618857.
Leucine-induced hypoglycemia (LIH). Also called: LEUCINE-SENSITIVE HYPOGLYCEMIA OF INFANCY. Identifiers: MedGen C0271714, MONDO:0009415, OMIM 240800.
Hyperinsulinemic hypoglycemia, familial, 1 (HHF1). Also called: Persistent hyperinsulinemic hypoglycemia of infancy; Persistent Hyperinsulinemia Hypoglycemia of Infancy; HYPERINSULINISM, FAMILIAL, WITH PANCREATIC NESIDIOBLASTOSIS; HYPOGLYCEMIA, HYPERINSULINEMIC, OF INFANCY; NESIDIOBLASTOSIS OF PANCREAS. Identifiers: Orphanet 276575, Orphanet 276598, MedGen C2931832, MONDO:0009734, OMIM 256450.
Diabetes mellitus, transient neonatal, 2 (TNDM2). Identifiers: Orphanet 99886, MedGen C1835887, MONDO:0012480, OMIM 610374. Disease mechanism: loss of function.

Allele frequency attached by ClinVar (database versions not stated): gnomAD exomes below 0.00001 and 0.00001; ExAC 0.00001.
gnomAD v4.1: 8 of 1,613,786 alleles (0.0005%); highest among the groups gnomAD compares: Admixed American, 0.0017%; no homozygotes.

Submissions (7):

Institute of Human Genetics, University of Leipzig Medical Center
Classification: Likely pathogenic for Maturity-onset diabetes of the young, type 12. Last evaluated: 2026-02-24. Review status: criteria provided, single submitter. Criteria: ACMG Guidelines, 2015. Collection method: clinical testing. Allele origin: unknown. Inheritance: Autosomal dominant inheritance. Affected: yes.
Comment: Criteria applied: PS4_MOD,PM2_SUP,PM5_SUP,PP1,PP3

Labcorp Genetics (formerly Invitae), Labcorp
Classification: Likely pathogenic. Last evaluated: 2025-08-25. Review status: criteria provided, single submitter. Criteria: Invitae Variant Classification Sherloc (09022015). Collection method: clinical testing. Allele origin: germline.
Comment: This sequence change replaces threonine, which is neutral and polar, with methionine, which is neutral and non-polar, at codon 1515 of the ABCC8 protein (p.Thr1515Met). This variant is present in population databases (rs769989185, gnomAD 0.0009%). This missense change has been observed in individuals with autosomal dominant ABCC8-related early onset diabetes and/or familial hyperinsulinism (PMID: 21378087, 27908292, 33013711, 34741762; internal data). It has also been observed to segregate with disease in related individuals. This variant is also known as p.Thr1516Met. ClinVar contains an entry for this variant (Variation ID: 1506182). An algorithm developed to predict the effect of missense changes on protein structure and function (PolyPhen-2) suggests that this variant is likely to be disruptive. In summary, the currently available evidence indicates that the variant is pathogenic, but additional data are needed to prove that conclusively. Therefore, this variant has been classified as Likely Pathogenic.

PreventionGenetics, part of Exact Sciences
Classification: Likely pathogenic for ABCC8-related condition. Last evaluated: 2025-07-23. Review status: criteria provided, single submitter. Criteria: ACMG Guidelines, 2015. Collection method: clinical testing. Allele origin: germline.
Comment: The ABCC8 c.4544C>T variant is predicted to result in the amino acid substitution p.Thr1515Met. This variant is alternatively referred to as p.Thr1516Met using the NM_001287174.2 transcript. This variant has been reported in multiple individuals with congenital hyperinsulinism or maturity-onset diabetes of the young and it has been observed to co-segregate with disease in a family with diabetes or impaired glucose tolerance (see for examples, Banerjee et al. 2011. PubMed ID: 21378087; Lin et al. 2020. PubMed ID: 33013711; Zhou et al. 2025. PubMed ID: 39504571). This variant is reported in 0.00088% of alleles in individuals of European (non-Finnish) descent in gnomAD. An alternate missense substitution affecting the same amino acid (p.Thr1515Ala) has also been reported in an individual with congenital hyperinsulinism (Bennett et al. 2015. PubMed ID: 25555642). In summary, the c.4544C>T (p.Thr1515Met) variant is interpreted as likely pathogenic.

Fulgent Genetics
Classification: Pathogenic for Type 2 diabetes mellitus; Leucine-induced hypoglycemia; Hyperinsulinemic hypoglycemia, familial, 1; Diabetes mellitus, transient neonatal, 2; Diabetes mellitus, permanent neonatal 3. Last evaluated: 2024-06-14. Review status: criteria provided, single submitter. Criteria: ACMG Guidelines, 2015. Collection method: clinical testing. Allele origin: germline.

Women's Health and Genetics/Laboratory Corporation of America, LabCorp
Classification: Pathogenic for Maturity-onset diabetes of the young. Last evaluated: 2024-06-10. Review status: criteria provided, single submitter. Criteria: LabCorp Variant Classification Summary - May 2015. Collection method: clinical testing. Allele origin: germline.
Comment: Variant summary: ABCC8 c.4544C>T (p.Thr1515Met) results in a non-conservative amino acid change located in the ABC transporter-like, ATP-binding domain (IPR003439) of the encoded protein sequence. Five of five in-silico tools predict a damaging effect of the variant on protein function. In addition, this variant disrupts the penultimate nucleotide of exon 37, and therefore can affect splicing. Several computational tools predict a significant impact on normal splicing: Two predict the variant weakens a 5' donor site. One predict the variant strengthens a 5' donor site. However, these predictions have yet to be confirmed by functional studies. The variant allele was found at a frequency of 4e-06 in 251076 control chromosomes. The available data on variant occurrences in the general population are insufficient to allow any conclusion about variant significance. c.4544C>T has been reported in the literature in at least one heterozygous individual with congenital hyperinsulinism where the variant was matrnally inherited (e.g., Banerjee_2011) and in several heterozygous individuals affected with Maturity Onset Diabetes Of The Young, where the variant was found to segregate with disease in at least one family (e.g., Lin_2020, Sampathkumar_2022). These data indicate that the variant is very likely to be associated with disease. The following publications have been ascertained in the context of this evaluation (PMID: 21378087, 33013711, 34741762). ClinVar contains an entry for this variant (Variation ID: 1506182). Based on the evidence outlined above, the variant was classified as pathogenic.

GeneDx
Classification: Likely pathogenic. Last evaluated: 2024-02-21. Review status: criteria provided, single submitter. Criteria: GeneDx Variant Classification Process June 2021. Collection method: clinical testing. Allele origin: germline. Affected: yes.
Comment: Not observed at significant frequency in large population cohorts (gnomAD); In silico analysis supports that this missense variant has a deleterious effect on protein structure/function; This variant is associated with the following publications: (PMID: 34014594, 21378087, 33013711, 34741762)

MGZ Medical Genetics Center
Classification: Likely pathogenic for Type 2 diabetes mellitus. Last evaluated: 2022-01-21. Review status: criteria provided, single submitter. Criteria: ACMG Guidelines, 2015. Collection method: clinical testing. Allele origin: germline. Affected: yes. Observed: 1 variant allele.
Comment: ACMG criteria applied: PS4_MOD, PP1_MOD, PM2_SUP, PP3

Literature cited by the submitters: PubMed 21378087 (cited by Labcorp Genetics (formerly Invitae), Labcorp and Women's Health and Genetics/Laboratory Corporation of America, LabCorp); PubMed 27908292 (cited by Labcorp Genetics (formerly Invitae), Labcorp); PubMed 33013711 (cited by Labcorp Genetics (formerly Invitae), Labcorp and Women's Health and Genetics/Laboratory Corporation of America, LabCorp); PubMed 34741762 (cited by Labcorp Genetics (formerly Invitae), Labcorp and Women's Health and Genetics/Laboratory Corporation of America, LabCorp).

NM_000352.6(ABCC8):c.4544C>T (p.Thr1515Met)

Gene: ABCC8 (ATP binding cassette subfamily C member 8; minus strand). Cytogenetic location: 11p15.1.
Variant type: single nucleotide variant.
Coding change: c.4544C>T on transcript NM_000352.6 (MANE Select); coding-DNA position 4544, C replaced by T.
Protein change: p.Thr1515Met; replaces threonine 1515 with methionine.
Molecular consequence: missense variant. On other transcripts: non-coding transcript variant (1).
Genome position (GRCh38, 1-based): chr11:17,394,267, G>A on the plus strand (C>T on the coding strand, the complement: ABCC8 is on the minus strand). VCF-style: chr11-17394267-G-A. GRCh37 (hg19) VCF-style: chr11-17415814-G-A.
Other names: c.4547C>T, p.Thr1516Met (NM_001287174.3); c.4610C>T, p.Thr1537Met (NM_001351295.2); c.4544C>T, p.Thr1515Met (NM_001351296.2); c.4541C>T, p.Thr1514Met (NM_001351297.2); c.4544C>T (NM_000352.4); short protein forms T1514M, T1515M, T1516M, T1537M.
Identifiers: ClinVar variation 1506182 (VCV001506182.16), dbSNP rs769989185, ClinGen allele CA5902453.